The following is an entry in ClinVar:

ClinVar aggregate classification (germline): Uncertain significance. Review status: criteria provided, multiple submitters, no conflicts (2 of 4 stars). 2 submissions from 2 submitters: Uncertain significance (2). Last evaluated 2025-08-20.

Allele frequency attached by ClinVar (database versions not stated): gnomAD exomes below 0.00001 and 0.00001; gnomAD 0.00001; TOPMed 0.00002.
gnomAD v4.1: 19 of 1,596,296 alleles (0.0012%); highest among the groups gnomAD compares: Middle Eastern, 0.017%; no homozygotes.

Submissions (2):

Labcorp Genetics (formerly Invitae), Labcorp
Classification: Uncertain significance. Last evaluated: 2025-08-20. Review status: criteria provided, single submitter. Criteria: Invitae Variant Classification Sherloc (09022015). Collection method: clinical testing. Allele origin: germline.
Comment: This sequence change replaces asparagine, which is neutral and polar, with serine, which is neutral and polar, at codon 650 of the ERBIN protein (p.Asn650Ser). This variant is present in population databases (rs201942788, gnomAD 0.002%). This variant has not been reported in the literature in individuals affected with ERBIN-related conditions. ClinVar contains an entry for this variant (Variation ID: 1522078). An algorithm developed to predict the effect of missense changes on protein structure and function (PolyPhen-2) suggests that this variant is likely to be disruptive. In summary, the available evidence is currently insufficient to determine the role of this variant in disease. Therefore, it has been classified as a Variant of Uncertain Significance.

Ambry Genetics
Classification: Uncertain significance. Last evaluated: 2021-08-30. Review status: criteria provided, single submitter. Criteria: Ambry Variant Classification Scheme 2023. Collection method: clinical testing. Allele origin: germline.

NM_001253697.2(ERBIN):c.1949A>G (p.Asn650Ser)

Gene: ERBIN (erbb2 interacting protein; plus strand). Cytogenetic location: 5q12.3.
Variant type: single nucleotide variant.
Coding change: c.1949A>G on transcript NM_001253697.2 (MANE Select); coding-DNA position 1949, A replaced by G.
Protein change: p.Asn650Ser; replaces asparagine 650 with serine.
Molecular consequence: missense variant.
Genome position (GRCh38, 1-based): chr5:66,050,828, A>G. VCF-style: chr5-66050828-A-G. GRCh37 (hg19) VCF-style: chr5-65346656-A-G.
Other names: c.1949A>G (NM_018695.2); c.1949A>G, p.Asn650Ser (NM_001006600.3, NM_001253698.2, NM_001253699.2 and 1 more transcripts); c.1937A>G, p.Asn646Ser (NM_001253701.2); short protein forms N646S, N650S.
Identifiers: ClinVar variation 1522078 (VCV001522078.9), dbSNP rs201942788, ClinGen allele CA119865468.